The following is an entry in ClinVar:

NM_000817.3(GAD1):c.682A>C (p.Ile228Leu)

Gene: GAD1 (glutamate decarboxylase 1; plus strand). Cytogenetic location: 2q31.1.
Variant type: single nucleotide variant.
Coding change: c.682A>C on transcript NM_000817.3 (MANE Select); coding-DNA position 682, A replaced by C.
Protein change: p.Ile228Leu; replaces isoleucine 228 with leucine.
Molecular consequence: missense variant.
Genome position (GRCh38, 1-based): chr2:170,844,088, A>C. VCF-style: chr2-170844088-A-C. GRCh37 (hg19) VCF-style: chr2-171700598-A-C.
Other names: short protein forms I228L.
Identifiers: ClinVar variation 332231 (VCV000332231.44), dbSNP rs45566933, ClinGen allele CA1962695.

ClinVar aggregate classification (germline): Conflicting classifications of pathogenicity. Review status: criteria provided, conflicting classifications (1 of 4 stars). 6 submissions from 6 submitters: Uncertain significance (2); Likely benign (4). Last evaluated 2026-01-12.

Conditions:
Inborn genetic diseases. Identifiers: MedGen C0950123, MeSH D030342.
Neurodevelopmental disorder with progressive spasticity and brain white matter abnormalities. Also called: CEREBRAL PALSY, SPASTIC QUADRIPLEGIC, 1. Identifiers: Orphanet 210141, Orphanet 641353, MedGen C5436628, MONDO:0033613, OMIM 619026.
GAD1-related disorder. Also called: GAD1-related condition.

Allele frequency attached by ClinVar (database versions not stated): ExAC 0.00026; ESP Exome Variant Server 0.00031; gnomAD exomes 0.00032; gnomAD 0.00038 and 0.00040; 1000 Genomes Project 0.00040; 1000 Genomes Project 30x 0.00047; TOPMed 0.00048.
gnomAD v4.1: 831 of 1,611,270 alleles (0.052%); highest among the groups gnomAD compares: Non-Finnish European, 0.065%; 1 homozygote.

Submissions (6):

Labcorp Genetics (formerly Invitae), Labcorp
Classification: Likely benign for Neurodevelopmental disorder with progressive spasticity and brain white matter abnormalities. Last evaluated: 2026-01-12. Review status: criteria provided, single submitter. Criteria: Invitae Variant Classification Sherloc (09022015). Collection method: clinical testing. Allele origin: germline.

Ambry Genetics
Classification: Likely benign for Inborn genetic diseases. Last evaluated: 2025-12-08. Review status: criteria provided, single submitter. Criteria: Ambry Variant Classification Scheme 2023. Collection method: clinical testing. Allele origin: germline.

CeGaT Center for Human Genetics Tuebingen
Classification: Likely benign. Last evaluated: 2025-09-01. Review status: criteria provided, single submitter. Criteria: CeGaT Center For Human Genetics Tuebingen Variant Classification Criteria Version 2. Collection method: clinical testing. Allele origin: germline. Affected: yes. Observed: 2 variant alleles.
Comment: GAD1: BS1

PreventionGenetics, part of Exact Sciences
Classification: Likely benign for GAD1-related condition. Last evaluated: 2025-05-09. Review status: criteria provided, single submitter. Criteria: ACMG Guidelines, 2015. Collection method: clinical testing. Allele origin: germline.
Comment: This variant is classified as likely benign based on ACMG/AMP sequence variant interpretation guidelines (Richards et al. 2015 PMID: 25741868, with internal and published modifications).

Illumina Laboratory Services, Illumina
Classification: Uncertain significance. Last evaluated: 2018-01-12. Review status: criteria provided, single submitter. Criteria: ICSL Variant Classification Criteria 13 December 2019. Collection method: clinical testing. Allele origin: germline.

Center for Pediatric Genomic Medicine, Children's Mercy Hospital and Clinics
Classification: Uncertain significance. Last evaluated: 2017-02-03. Review status: criteria provided, single submitter. Criteria: ACMG Guidelines, 2015. Collection method: clinical testing. Allele origin: germline.
ClinVar note: Converted during submission from Uncertain Significance to Uncertain significance.